The following is an entry in ClinVar:

NM_000254.3(MTR):c.*1451T>G

Gene: MTR (5-methyltetrahydrofolate-homocysteine methyltransferase; plus strand). Cytogenetic location: 1q43.
Variant type: single nucleotide variant.
Coding change: c.*1451T>G on transcript NM_000254.3 (MANE Select); 1451 bases downstream of the stop codon, T replaced by G.
Molecular consequence: 3 prime UTR variant.
Genome position (GRCh38, 1-based): chr1:236,899,095, T>G. VCF-style: chr1-236899095-T-G. GRCh37 (hg19) VCF-style: chr1-237062395-T-G.
Other names: c.*1451T>G (NM_001291939.1, NM_001291940.2).
Identifiers: ClinVar variation 296613 (VCV000296613.5), dbSNP rs147859146, ClinGen allele CA10610514.
Genomic context (GRCh38, chr1:236,899,095, plus strand): 5'-GAAGACGAAGAAGCAAGGGAGGAACAAATGAAGAACCATCTTTGTTCATGAATAGGAATA[T>G]TCAAGATTATAAAGGTATCAGGTCTCCTAAAATTGATCTATGGATTTAATACCATTTTCA-3'

ClinVar aggregate classification (germline): Likely benign (1 of 4 stars; one submission).

Conditions:
Disorders of Intracellular Cobalamin Metabolism. Identifiers: MedGen CN043592.

Allele frequency attached by ClinVar (database versions not stated): gnomAD 0.00014 and 0.00029; TOPMed 0.00033; 1000 Genomes Project 30x 0.00234; 1000 Genomes Project 0.00280.

Submission:

Illumina Laboratory Services, Illumina
Classification: Likely benign for Disorders of Intracellular Cobalamin Metabolism. Last evaluated: 2018-01-12. Review status: criteria provided, single submitter. Criteria: ICSL Variant Classification Criteria 13 December 2019. Collection method: clinical testing. Allele origin: germline.
Comment: This variant was observed in the ICSL laboratory as part of a predisposition screen in an ostensibly healthy population. It had not been previously curated by ICSL or reported in the Human Gene Mutation Database (HGMD: prior to June 1st, 2018), and was therefore a candidate for classification through an automated scoring system. Utilizing variant allele frequency, disease prevalence and penetrance estimates, and inheritance mode, an automated score was calculated to assess if this variant is too frequent to cause the disease. Based on the score and internal cut-off values, a variant classified as likely benign is not then subjected to further curation. The score for this variant resulted in a classification of likely benign for this disease.